The following is an entry in ClinVar:

ClinVar aggregate classification (germline): Benign/Likely benign. Review status: criteria provided, multiple submitters, no conflicts (2 of 4 stars). 21 submissions from 20 submitters: Benign (12); Likely benign (4). 5 of the submissions do not count toward it. Last evaluated 2026-09-01.

Conditions:
Cardiovascular phenotype. Identifiers: MedGen CN230736.
Cardiomyopathy (CMYO). Also called: Cardiomyopathies. Identifiers: Orphanet 167848, MedGen C0878544, MONDO:0004994, HP:0001638. Inheritance: Various modes of inheritance.
Catecholaminergic polymorphic ventricular tachycardia 1. Also called: RYR2-Related Catecholaminergic Polymorphic Ventricular Tachycardia; VENTRICULAR TACHYCARDIA, STRESS-INDUCED POLYMORPHIC 1; VENTRICULAR TACHYCARDIA, CATECHOLAMINERGIC POLYMORPHIC, 1, WITH OR WITHOUT ATRIAL DYSFUNCTION AND/OR DILATED CARDIOMYOPATHY. Identifiers: Orphanet 3286, MedGen C1631597, MONDO:0011484, OMIM 604772.
Arrhythmogenic right ventricular dysplasia 2. Identifiers: MedGen C1832931.
Catecholaminergic polymorphic ventricular tachycardia (CVPT). Also called: Catecholamine-induced polymorphic ventricular tachycardia. Identifiers: Orphanet 3286, MedGen C5574922, MONDO:0017990.

Allele frequency attached by ClinVar (database versions not stated): 1000 Genomes Project 0.00220; gnomAD exomes 0.00483 and 0.00708; ESP Exome Variant Server 0.00615; gnomAD 0.00460 and 0.00461; TOPMed 0.00480; 1000 Genomes Project 30x 0.00187; ExAC 0.00756.
gnomAD v4.1: 10,943 of 1,606,154 alleles (0.68%); highest among the groups gnomAD compares: Middle Eastern, 1.5%; 49 homozygotes.

Submissions (21):

CeGaT Center for Human Genetics Tuebingen
Classification: Benign. Last evaluated: 2026-09-01. Review status: criteria provided, single submitter. Criteria: CeGaT Center For Human Genetics Tuebingen Variant Classification Criteria Version 2. Collection method: clinical testing. Allele origin: germline. Affected: yes. Observed: 45 variant alleles.
Comment: RYR2: BP4, BP7, BS1, BS2

Labcorp Genetics (formerly Invitae), Labcorp
Classification: Benign for Catecholaminergic polymorphic ventricular tachycardia 1. Last evaluated: 2026-02-03. Review status: criteria provided, single submitter. Criteria: Invitae Variant Classification Sherloc (09022015). Collection method: clinical testing. Allele origin: germline.

ARUP Laboratories, Molecular Genetics and Genomics, ARUP Laboratories
Classification: Benign. Last evaluated: 2025-04-24. Review status: criteria provided, single submitter. Criteria: ARUP Molecular Germline Variant Investigation Process 2024. Collection method: clinical testing. Allele origin: germline.

Molecular Diagnostic Laboratory for Inherited Cardiovascular Disease, Montreal Heart Institute
Classification: Benign. Last evaluated: 2025-04-09. Review status: criteria provided, single submitter. Criteria: ACMG Guidelines, 2015. Collection method: clinical testing. Allele origin: germline. Affected: no.

Blueprint Genetics
Classification: Likely benign. Last evaluated: 2024-11-21. Review status: criteria provided, single submitter. Criteria: ACMG Guidelines, 2015. Collection method: clinical testing. Allele origin: germline.

All of Us Research Program, National Institutes of Health
Classification: Benign for Catecholaminergic polymorphic ventricular tachycardia. Last evaluated: 2024-02-05. Review status: criteria provided, single submitter. Criteria: ACMG Guidelines, 2015. Collection method: clinical testing. Allele origin: germline. Inheritance: Autosomal dominant inheritance. Observed: 1,371 variant alleles, 1,359 heterozygotes, 12 homozygotes.
Comment: This study involves interpretation of variants in research participants for the purpose of population health screening. Participant phenotype was not available at the time of variant classification. Additional details can be found in publication PMID: 35346344, PMCID: PMC8962531

Color Diagnostics, LLC DBA Color Health
Classification: Benign for Cardiomyopathy. Last evaluated: 2018-03-08. Review status: criteria provided, single submitter. Criteria: ACMG Guidelines, 2015. Collection method: clinical testing. Allele origin: germline.

Illumina Laboratory Services, Illumina
Classification: Likely benign for Catecholaminergic polymorphic ventricular tachycardia 1. Last evaluated: 2017-04-27. Review status: criteria provided, single submitter. Criteria: ICSL Variant Classification Criteria 13 December 2019. Collection method: clinical testing. Allele origin: germline.
Comment: This variant was observed as part of a predisposition screen in an ostensibly healthy population. A literature search was performed for the gene, cDNA change, and amino acid change (where applicable). No publications were found based on this search. Allele frequency data from public databases allowed determination this variant is unlikely to cause disease. Therefore, this variant is classified as likely benign.

Illumina Laboratory Services, Illumina
Classification: Likely benign for Catecholaminergic polymorphic ventricular tachycardia 1. Last evaluated: 2017-04-27. Review status: criteria provided, single submitter. Criteria: ICSL Variant Classification Criteria 13 December 2019. Collection method: clinical testing. Allele origin: germline.
Comment: the same text as in the submission from Illumina Laboratory Services, Illumina above.

Mayo Clinic Laboratories, Mayo Clinic
Classification: Benign. Last evaluated: 2016-08-19. Review status: criteria provided, single submitter. Criteria: ACMG Guidelines, 2015. Collection method: clinical testing. Allele origin: germline. Observed: 26 variant alleles.

CHEO Genetics Diagnostic Laboratory, Children's Hospital of Eastern Ontario
Classification: Benign for Cardiomyopathy. Last evaluated: 2016-01-29. Review status: criteria provided, single submitter. Criteria: ACMG Guidelines, 2015. Collection method: clinical testing. Allele origin: germline. Study: Canadian Open Genetics Repository.

Ambry Genetics
Classification: Benign for Cardiovascular phenotype. Last evaluated: 2015-06-01. Review status: criteria provided, single submitter. Criteria: Ambry Variant Classification Scheme 2023. Collection method: clinical testing. Allele origin: germline.

GeneDx
Classification: Benign. Last evaluated: 2015-03-03. Review status: criteria provided, single submitter. Criteria: GeneDx Variant Classification Process June 2021. Collection method: clinical testing. Allele origin: germline. Affected: yes.

Eurofins Ntd Llc (ga)
Classification: Benign. Last evaluated: 2014-12-23. Review status: criteria provided, single submitter. Criteria: EGL Classification Definitions 2015. Collection method: clinical testing. Allele origin: germline. Observed: 1 variant allele, 1 heterozygote.

Laboratory for Molecular Medicine, Mass General Brigham Personalized Medicine
Classification: Benign. Last evaluated: 2012-03-13. Review status: criteria provided, single submitter. Criteria: LMM Criteria. Collection method: clinical testing. Allele origin: germline. Observed: 22 variant alleles.
Comment: His621His in exon 19 of RYR2: This variant is not expected to have clinical sign ificance because it does not alter an amino acid residue and has been identified in 0.8% (53/6742) from a broad population by the NHLBI Exome Sequencing Project (dbSNP rs17686573).

Breakthrough Genomics
Classification: Likely benign. Review status: criteria provided, single submitter. Criteria: ACMG Guidelines, 2015. Collection method: not provided. Allele origin: germline. Inheritance: Autosomal dominant inheritance. Affected: yes.

Women's Health and Genetics/Laboratory Corporation of America, LabCorp
Classification: Benign for Cardiomyopathy. Last evaluated: 2013-12-26. Review status: no assertion criteria provided. Collection method: clinical testing. Allele origin: germline. Not counted in ClinVar's aggregate classification.

Clinical Genetics DNA and cytogenetics Diagnostics Lab, Erasmus MC, Erasmus Medical Center
Classification: Benign. Review status: no assertion criteria provided. Collection method: clinical testing. Allele origin: germline. Affected: yes. Study: VKGL Data-share Consensus. Not counted in ClinVar's aggregate classification.

Clinical Genetics, Academic Medical Center
Classification: Benign. Review status: no assertion criteria provided. Collection method: clinical testing. Allele origin: germline. Affected: yes. Study: VKGL Data-share Consensus. Not counted in ClinVar's aggregate classification.

Diagnostic Laboratory, Department of Genetics, University Medical Center Groningen
Classification: Likely benign. Review status: no assertion criteria provided. Collection method: clinical testing. Allele origin: germline. Affected: yes. Study: VKGL Data-share Consensus. Not counted in ClinVar's aggregate classification.

Joint Genome Diagnostic Labs from Nijmegen and Maastricht, Radboudumc and MUMC+
Classification: Benign. Review status: no assertion criteria provided. Collection method: clinical testing. Allele origin: germline. Affected: yes. Study: VKGL Data-share Consensus. Not counted in ClinVar's aggregate classification.

NM_001035.3(RYR2):c.1863C>T (p.His621=)

Gene: RYR2 (ryanodine receptor 2; plus strand). Cytogenetic location: 1q43.
Variant type: single nucleotide variant.
Coding change: c.1863C>T on transcript NM_001035.3 (MANE Select); coding-DNA position 1863, C replaced by T.
Protein change: p.His621=; no amino-acid change (histidine 621 retained).
Molecular consequence: synonymous variant.
Genome position (GRCh38, 1-based): chr1:237,492,989, C>T. VCF-style: chr1-237492989-C-T. GRCh37 (hg19) VCF-style: chr1-237656289-C-T.
Other names: p.His621=.
Identifiers: ClinVar variation 36737 (VCV000036737.79), dbSNP rs17686573, ClinGen allele CA008635.